The following is an entry in ClinVar:

NM_001844.5(COL2A1):c.3228del (p.Gly1077fs)

Gene: COL2A1 (collagen type II alpha 1 chain; minus strand). Cytogenetic location: 12q13.11.
Variant type: Deletion.
Coding change: c.3228del on transcript NM_001844.5 (MANE Select); coding-DNA position 3228, one base deleted (T; older notation c.3228delT).
Protein change: p.Gly1077fs; shifts the reading frame from glycine 1077.
Molecular consequence: frameshift variant.
Genome position (GRCh38, 1-based): chr12:47,977,365, A deleted on the plus strand (T on the coding strand, the reverse complement: COL2A1 is on the minus strand). VCF-style (leftmost placement, unchanged base first): chr12-47977364-CA-C. GRCh37 (hg19) VCF-style: chr12-48371147-CA-C.
Other names: c.3021del, p.Gly1008fs (NM_033150.3); c.3228delT (NM_001844.5); short protein forms G1008fs, G1077fs.
Identifiers: ClinVar variation 3721124 (VCV003721124.3).

ClinVar aggregate classification (germline): Pathogenic. Review status: criteria provided, multiple submitters, no conflicts (2 of 4 stars). 2 submissions from 2 submitters: Pathogenic (2). Last evaluated 2025-12-29.

Submissions (2):

Center for Genomic Medicine, Rigshospitalet, Copenhagen University Hospital
Classification: Pathogenic. Last evaluated: 2025-12-29. Review status: criteria provided, single submitter. Criteria: ACMG Guidelines, 2015. Collection method: clinical testing. Allele origin: germline.
Comment: Classification criteria: PVS1, PM2_Supporting, PS4_Moderate, PP4

Labcorp Genetics (formerly Invitae), Labcorp
Classification: Pathogenic. Last evaluated: 2024-06-04. Review status: criteria provided, single submitter. Criteria: Invitae Variant Classification Sherloc (09022015). Collection method: clinical testing. Allele origin: germline.
Comment: This sequence change creates a premature translational stop signal (p.Gly1077Alafs*53) in the COL2A1 gene. It is expected to result in an absent or disrupted protein product. Loss-of-function variants in COL2A1 are known to be pathogenic (PMID: 20179744). This variant is not present in population databases (gnomAD no frequency). This premature translational stop signal has been observed in individual(s) with Stickler syndrome (PMID: 20179744). For these reasons, this variant has been classified as Pathogenic.

Literature cited by the submitters: PubMed 27390512 (cited by Center for Genomic Medicine, Rigshospitalet, Copenhagen University Hospital); PubMed 27408751 (cited by Center for Genomic Medicine, Rigshospitalet, Copenhagen University Hospital); PubMed 20179744 (cited by Center for Genomic Medicine, Rigshospitalet, Copenhagen University Hospital and Labcorp Genetics (formerly Invitae), Labcorp).